The following is an entry in ClinVar:

NM_000127.3(EXT1):c.1236G>A (p.Trp412Ter)

Gene: EXT1 (exostosin glycosyltransferase 1; minus strand). Cytogenetic location: 8q24.11.
Variant type: single nucleotide variant.
Coding change: c.1236G>A on transcript NM_000127.3 (MANE Select); coding-DNA position 1236, G replaced by A.
Protein change: p.Trp412Ter; replaces tryptophan 412 with a stop codon.
Molecular consequence: nonsense.
Genome position (GRCh38, 1-based): chr8:117,830,278, C>T on the plus strand (G>A on the coding strand, the complement: EXT1 is on the minus strand). VCF-style: chr8-117830278-C-T. GRCh37 (hg19) VCF-style: chr8-118842517-C-T.
Other names: short protein forms W412*.
Identifiers: ClinVar variation 650518 (VCV000650518.3), dbSNP rs1587001428, ClinGen allele CA371890319.

ClinVar aggregate classification (germline): Pathogenic. Review status: criteria provided, multiple submitters, no conflicts (2 of 4 stars). 2 submissions from 2 submitters: Pathogenic (2). Last evaluated 2021-07-16.

Conditions:
Multiple congenital exostosis (EXT). Also called: Multiple osteochondromas; Hereditary multiple osteochondromas; Hereditary multiple exostoses; Hereditary multiple exostosis; MULTIPLE CARTILAGINOUS EXOSTOSES; Multiple exostoses. Identifiers: Orphanet 321, MedGen C0015306, MONDO:0005508, HP:0002762.

Submissions (2):

GeneDx
Classification: Pathogenic. Last evaluated: 2021-07-16. Review status: criteria provided, single submitter. Criteria: GeneDx Variant Classification Process June 2021. Collection method: clinical testing. Allele origin: germline. Affected: yes.
Comment: Nonsense variant predicted to result in protein truncation or nonsense mediated decay in a gene for which loss-of-function is a known mechanism of disease; Not observed in large population cohorts (Lek et al., 2016); This variant is associated with the following publications: (PMID: 27535533, 29529714)

Labcorp Genetics (formerly Invitae), Labcorp
Classification: Pathogenic for Multiple congenital exostosis. Last evaluated: 2018-09-01. Review status: criteria provided, single submitter. Criteria: Invitae Variant Classification Sherloc (09022015). Collection method: clinical testing. Allele origin: germline.
Comment: This sequence change creates a premature translational stop signal (p.Trp412*) in the EXT1 gene. It is expected to result in an absent or disrupted protein product. This variant is not present in population databases (ExAC no frequency). This variant has been observed in several individuals affected with multiple osteochondromas (PMID: 29529714). A different variant (c.1235G>A)Â¬â€ giving rise to the same protein effect observed here (p.Trp412*)Â¬â€ has also been observed in several individuals and a family with multiple osteochondromas (PMID: 19810120,Â¬â€ 28053536). Loss-of-function variants in EXT1 are known to be pathogenic (PMID: 10679937, 11391482, 19810120). For these reasons, this variant has been classified as Pathogenic.

Literature cited by the submitters: PubMed 29529714 (cited by Labcorp Genetics (formerly Invitae), Labcorp); PubMed 19810120 (cited by Labcorp Genetics (formerly Invitae), Labcorp).